The following is an entry in ClinVar:

ClinVar aggregate classification (germline): Likely pathogenic (1 of 4 stars; one submission).

Submission:

GeneDx
Classification: Likely pathogenic. Last evaluated: 2024-07-09. Review status: criteria provided, single submitter. Criteria: GeneDx Variant Classification Process June 2021. Collection method: clinical testing. Allele origin: germline. Affected: yes.
Comment: Not observed at significant frequency in large population cohorts (gnomAD); In silico analysis supports that this missense variant has a deleterious effect on protein structure/function; Has not been previously published as pathogenic or benign to our knowledge; This variant is associated with the following publications: (PMID: 19067896)

NM_001371623.1(TCOF1):c.76G>A (p.Ala26Thr)

Genes: TCOF1 (treacle ribosome biogenesis factor 1; plus strand), LOC129994985 (ATAC-STARR-seq lymphoblastoid silent region 16507; plus strand). Cytogenetic location: 5q32.
Variant type: single nucleotide variant.
Coding change: c.76G>A on transcript NM_001371623.1 (MANE Select); coding-DNA position 76, G replaced by A.
Protein change: p.Ala26Thr; replaces alanine 26 with threonine.
Molecular consequence: missense variant.
Genome position (GRCh38, 1-based): chr5:150,357,822, G>A. VCF-style: chr5-150357822-G-A. GRCh37 (hg19) VCF-style: chr5-149737385-G-A.
Other names: c.76G>A, p.Ala26Thr (NM_000356.4, NM_001008657.3, NM_001135243.2 and 3 more transcripts); short protein forms A26T.
Identifiers: ClinVar variation 1311597 (VCV001311597.3), dbSNP rs2150346053, ClinGen allele CA361726098.